The following is an entry in ClinVar:

NM_205834.4(LSR):c.1404T>C (p.Asn468=)

Gene: LSR (lipolysis stimulated lipoprotein receptor; plus strand). Cytogenetic location: 19q13.12.
Variant type: single nucleotide variant.
Coding change: c.1404T>C on transcript NM_205834.4 (MANE Select); coding-DNA position 1404, T replaced by C.
Protein change: p.Asn468=; no amino-acid change (asparagine 468 retained).
Molecular consequence: synonymous variant.
Genome position (GRCh38, 1-based): chr19:35,267,368, T>C. VCF-style: chr19-35267368-T-C. GRCh37 (hg19) VCF-style: chr19-35758271-T-C.
Other names: c.1344T>C, p.Asn448= (NM_001260489.2); c.1080T>C, p.Asn360= (NM_001260490.2); c.1197T>C, p.Asn399= (NM_001385215.1); c.1347T>C, p.Asn449= (NM_015925.7); c.1200T>C, p.Asn400= (NM_205835.4).
Identifiers: ClinVar variation 4995852 (VCV004995852.1).

ClinVar aggregate classification (germline): Likely benign (1 of 4 stars; one submission).

Conditions:
LSR-related condition.

gnomAD v4.1: 3 of 1,522,166 alleles (0.0002%); highest among the groups gnomAD compares: Non-Finnish European, 0.00018%; no homozygotes.

Submission:

PreventionGenetics, part of Exact Sciences
Classification: Likely benign for LSR-related condition. Last evaluated: 2026-04-23. Review status: criteria provided, single submitter. Criteria: ACMG Guidelines, 2015. Collection method: clinical testing. Allele origin: germline.
Comment: This variant is classified as likely benign based on ACMG/AMP sequence variant interpretation guidelines (Richards et al. 2015 PMID: 25741868, with internal and published modifications).